The following is an entry in ClinVar:

NM_014921.5(ADGRL1):c.79C>T (p.Arg27Trp)

Gene: ADGRL1 (adhesion G protein-coupled receptor L1; minus strand). Cytogenetic location: 19p13.12.
Variant type: single nucleotide variant.
Coding change: c.79C>T on transcript NM_014921.5 (MANE Select); coding-DNA position 79, C replaced by T.
Protein change: p.Arg27Trp; replaces arginine 27 with tryptophan.
Molecular consequence: missense variant.
Genome position (GRCh38, 1-based): chr19:14,177,736, G>A on the plus strand (C>T on the coding strand, the complement: ADGRL1 is on the minus strand). VCF-style: chr19-14177736-G-A. GRCh37 (hg19) VCF-style: chr19-14288548-G-A.
Other names: c.79C>T, p.Arg27Trp (NM_001008701.3); short protein forms R27W.
Identifiers: ClinVar variation 3087394 (VCV003087394.2), dbSNP rs1483913563, ClinGen allele CA404420646.

ClinVar aggregate classification (germline): Uncertain significance (1 of 4 stars; one submission).

Conditions:
Inborn genetic diseases. Identifiers: MedGen C0950123, MeSH D030342.

Allele frequency attached by ClinVar (database versions not stated): gnomAD exomes 0.00001; gnomAD 0.00001; TOPMed below 0.00001.
gnomAD v4.1: 8 of 1,611,068 alleles (0.0005%); highest among the groups gnomAD compares: Non-Finnish European, 0.00068%; no homozygotes.

Submission:

Ambry Genetics
Classification: Uncertain significance for Inborn genetic diseases. Last evaluated: 2026-05-14. Review status: criteria provided, single submitter. Criteria: Ambry Variant Classification Scheme 2023. Collection method: clinical testing. Allele origin: germline.
Comment: The c.79C>T (p.R27W) alteration is located in exon 3 (coding exon 2) of the ADGRL1 gene. This alteration results from a C to T substitution at nucleotide position 79, causing the arginine (R) at amino acid position 27 to be replaced by a tryptophan (W). Based on data from gnomAD, the T allele has an overall frequency of <0.001% (0/243842) total alleles studied. The highest observed frequency was <0.001% (/) of alleles. Based on insufficient or conflicting evidence, the clinical significance of this alteration remains unclear.